The following is an entry in ClinVar:

ClinVar aggregate classification (germline): Conflicting classifications of pathogenicity. Review status: criteria provided, conflicting classifications (1 of 4 stars). 6 submissions from 6 submitters: Uncertain significance (2); Benign (1); Likely benign (2). 1 of the submissions does not count toward it. Last evaluated 2024-11-23.

Conditions:
Spondylocostal dysostosis 2, autosomal recessive (SCDO2). Also called: MESP2-Related Spondylocostal Dysostosis, Autosomal Recessive; Spondylocostal dysostosis type 2. Identifiers: Orphanet 2311, MedGen C1837549, MONDO:0012097, OMIM 608681.

Allele frequency attached by ClinVar (database versions not stated): 1000 Genomes Project 30x 0.00531; gnomAD exomes 0.00846; ExAC 0.00858; gnomAD 0.12941 and 0.13255.

Submissions (6):

Blueprint Genetics
Classification: Likely benign. Last evaluated: 2024-11-23. Review status: criteria provided, single submitter. Criteria: ACMG Guidelines, 2015. Collection method: clinical testing. Allele origin: germline.

Women's Health and Genetics/Laboratory Corporation of America, LabCorp
Classification: Benign. Last evaluated: 2023-12-14. Review status: criteria provided, single submitter. Criteria: LabCorp Variant Classification Summary - May 2015. Collection method: clinical testing. Allele origin: germline.
Comment: Variant summary: MESP2 c.573G>A results in a synonymous change. Consensus agreement among computation tools predict no significant impact on normal splicing. However, these predictions have yet to be confirmed by functional studies. The variant allele was found at a frequency of 0.0085 in 50138 control chromosomes. The observed variant frequency is approximately 7.56 fold of the estimated maximal expected allele frequency for a pathogenic variant in MESP2 causing Spondylocostal Dysostosis 2 phenotype (0.0011), strongly suggesting that the variant is benign. To our knowledge, no occurrence of c.573G>A in individuals affected with Spondylocostal Dysostosis 2 and no experimental evidence demonstrating its impact on protein function have been reported. Four submitters have cited clinical-significance assessments for this variant to ClinVar after 2014. Multiple submitters reported the variant with conflicting assessments. Based on the evidence outlined above, the variant was classified as benign.

Genome-Nilou Lab
Classification: Uncertain significance for Spondylocostal dysostosis 2, autosomal recessive. Last evaluated: 2021-06-10. Review status: criteria provided, single submitter. Criteria: ACMG Guidelines, 2015. Collection method: clinical testing. Allele origin: germline. Affected: no.

Illumina Laboratory Services, Illumina
Classification: Uncertain significance for Spondylocostal dysostosis 2, autosomal recessive. Last evaluated: 2018-01-12. Review status: criteria provided, single submitter. Criteria: ICSL Variant Classification Criteria 13 December 2019. Collection method: clinical testing. Allele origin: germline.

Laboratory for Molecular Medicine, Mass General Brigham Personalized Medicine
Classification: Likely benign. Last evaluated: 2016-03-28. Review status: criteria provided, single submitter. Criteria: LMM Criteria. Collection method: clinical testing. Allele origin: germline.
Comment: Variant identified in a genome or exome case(s) and assessed due to predicted null impact of the variant or pathogenic assertions in the literature or databases. Disclaimer: This variant has not undergone full assessment. The following are preliminary notes: Silent variant not near splice site

Natera, Inc.
Classification: Benign for Spondylocostal dysostosis type 2. Last evaluated: 2019-10-18. Review status: no assertion criteria provided. Collection method: clinical testing. Allele origin: germline. Not counted in ClinVar's aggregate classification.

NM_001039958.2(MESP2):c.573G>A (p.Gly191=)

Gene: MESP2 (mesoderm posterior bHLH transcription factor 2; plus strand). Cytogenetic location: 15q26.1.
Variant type: single nucleotide variant.
Coding change: c.573G>A on transcript NM_001039958.2 (MANE Select); coding-DNA position 573, G replaced by A.
Protein change: p.Gly191=; no amino-acid change (glycine 191 retained).
Molecular consequence: synonymous variant.
Genome position (GRCh38, 1-based): chr15:89,776,930, G>A. VCF-style: chr15-89776930-G-A. GRCh37 (hg19) VCF-style: chr15-90320161-G-A.
Identifiers: ClinVar variation 317389 (VCV000317389.16), dbSNP rs113097169, ClinGen allele CA7730457.